The following is an entry in ClinVar:

ClinVar aggregate classification (germline): Likely pathogenic (1 of 4 stars; one submission).

Submission:

GeneDx
Classification: Likely pathogenic. Last evaluated: 2024-12-04. Review status: criteria provided, single submitter. Criteria: GeneDx Variant Classification Process June 2021. Collection method: clinical testing. Allele origin: germline. Affected: yes.
Comment: Frameshift variant predicted to result in abnormal protein length as the last 170 amino acid(s) are replaced with 6 different amino acid(s), and other similar variants have been reported in HGMD; Not observed at significant frequency in large population cohorts (gnomAD); Has not been previously published as pathogenic or benign to our knowledge

NM_003620.4(PPM1D):c.1306dup (p.Ile436fs)

Gene: PPM1D (protein phosphatase, Mg2+/Mn2+ dependent 1D; plus strand). Cytogenetic location: 17q23.2.
Variant type: Duplication.
Coding change: c.1306dup on transcript NM_003620.4 (MANE Select); coding-DNA position 1306, one base duplicated (A; older notation c.1306dupA).
Protein change: p.Ile436fs; shifts the reading frame from isoleucine 436.
Molecular consequence: frameshift variant.
Genome position (GRCh38, 1-based): chr17:60,663,040, A duplicated. VCF-style (leftmost placement, unchanged base first): chr17-60663039-T-TA. GRCh37 (hg19) VCF-style: chr17-58740400-T-TA.
Other names: short protein forms I436fs.
Identifiers: ClinVar variation 3901492 (VCV003901492.1).